The following is an entry in ClinVar:

NM_033453.4(ITPA):c.545T>C (p.Leu182Pro)

Gene: ITPA (inosine triphosphatase; plus strand). Cytogenetic location: 20p13.
Variant type: single nucleotide variant.
Coding change: c.545T>C on transcript NM_033453.4 (MANE Select); coding-DNA position 545, T replaced by C.
Protein change: p.Leu182Pro; replaces leucine 182 with proline.
Molecular consequence: missense variant. On other transcripts: non-coding transcript variant (2), intron variant (1).
Genome position (GRCh38, 1-based): chr20:3,223,422, T>C. VCF-style: chr20-3223422-T-C. GRCh37 (hg19) VCF-style: chr20-3204068-T-C.
Other names: c.422T>C, p.Leu141Pro (NM_001267623.2); c.208T>C, p.Cys70Arg (NM_001324236.2, NM_001324237.2, NM_001324238.2 and 1 more transcripts); c.494T>C, p.Leu165Pro (NM_181493.4); c.412-3261T>C (NM_001324240.2); short protein forms L182P, C70R, L141P, L165P.
Identifiers: ClinVar variation 452647 (VCV000452647.2), dbSNP rs1555775451, ClinGen allele CA408081738.

ClinVar aggregate classification (germline): Uncertain significance (1 of 4 stars; one submission).

Allele frequency attached by ClinVar (database versions not stated): TOPMed below 0.00001.

Submission:

GeneDx
Classification: Uncertain significance. Last evaluated: 2017-10-17. Review status: criteria provided, single submitter. Criteria: GeneDx Variant Classification (06012015). Collection method: clinical testing. Allele origin: germline. Affected: yes.
Comment: The L182P variant in the ITPA gene has not been reported previously as a pathogenic variant, nor as a benign variant, to our knowledge. The L182P variant is not observed in large population cohorts (Lek et al., 2016). The L182P variant is a semi-conservative amino acid substitution, which may impact secondary protein structure as these residues differ in some properties. This substitution occurs at a position that is conserved in mammals. In silico analysis predicts this variant is probably damaging to the protein structure/function. We interpret L182P as a variant of uncertain significance.